The following is an entry in ClinVar:

NM_000426.4(LAMA2):c.6308A>C (p.Glu2103Ala)

Gene: LAMA2 (laminin subunit alpha 2; plus strand). Cytogenetic location: 6q22.33.
Variant type: single nucleotide variant.
Coding change: c.6308A>C on transcript NM_000426.4 (MANE Select); coding-DNA position 6308, A replaced by C.
Protein change: p.Glu2103Ala; replaces glutamic acid 2103 with alanine.
Molecular consequence: missense variant.
Genome position (GRCh38, 1-based): chr6:129,445,700, A>C. VCF-style: chr6-129445700-A-C. GRCh37 (hg19) VCF-style: chr6-129766845-A-C.
Other names: c.6308A>C, p.Glu2103Ala (NM_001079823.2); short protein forms E2103A.
Identifiers: ClinVar variation 1397436 (VCV001397436.9), dbSNP rs773077537, ClinGen allele CA365631718.

ClinVar aggregate classification (germline): Uncertain significance (1 of 4 stars; one submission).

Conditions:
LAMA2-related muscular dystrophy (LAMA2-RD). Also called: Laminin alpha 2-related dystrophy. Identifiers: MedGen C5679788, MONDO:0100228.

gnomAD v4.1: 2 of 1,613,902 alleles (0.00012%); highest among the groups gnomAD compares: Non-Finnish European, 0.00017%; no homozygotes.

Submission:

Labcorp Genetics (formerly Invitae), Labcorp
Classification: Uncertain significance for LAMA2-related muscular dystrophy. Last evaluated: 2021-08-11. Review status: criteria provided, single submitter. Criteria: Invitae Variant Classification Sherloc (09022015). Collection method: clinical testing. Allele origin: germline.
Comment: Algorithms developed to predict the effect of missense changes on protein structure and function are either unavailable or do not agree on the potential impact of this missense change (SIFT: "Tolerated"; PolyPhen-2: "Probably Damaging"; Align-GVGD: "Class C0"). This variant has not been reported in the literature in individuals with LAMA2-related conditions. This variant is not present in population databases (ExAC no frequency). This sequence change replaces glutamic acid with alanine at codon 2103 of the LAMA2 protein (p.Glu2103Ala). The glutamic acid residue is moderately conserved and there is a moderate physicochemical difference between glutamic acid and alanine. In summary, the available evidence is currently insufficient to determine the role of this variant in disease. Therefore, it has been classified as a Variant of Uncertain Significance.